The following is an entry in ClinVar:

NM_032242.4(PLXNA1):c.351G>A (p.Leu117=)

Gene: PLXNA1 (plexin A1; plus strand). Cytogenetic location: 3q21.3.
Variant type: single nucleotide variant.
Coding change: c.351G>A on transcript NM_032242.4 (MANE Select); coding-DNA position 351, G replaced by A.
Protein change: p.Leu117=; no amino-acid change (leucine 117 retained).
Molecular consequence: synonymous variant.
Genome position (GRCh38, 1-based): chr3:126,988,944, G>A. VCF-style: chr3-126988944-G-A. GRCh37 (hg19) VCF-style: chr3-126707787-G-A.
Identifiers: ClinVar variation 3354198 (VCV003354198.1).

ClinVar aggregate classification (germline): Likely benign (0 of 4 stars; one submission).

Conditions:
PLXNA1-related disorder. Also called: PLXNA1-related condition.

Submission:

PreventionGenetics, part of Exact Sciences
Classification: Likely benign for PLXNA1-related condition. Last evaluated: 2022-10-07. Review status: no assertion criteria provided. Collection method: clinical testing. Allele origin: germline.
Comment: This variant is classified as likely benign based on ACMG/AMP sequence variant interpretation guidelines (Richards et al. 2015 PMID: 25741868, with internal and published modifications).